The following is an entry in ClinVar:

ClinVar aggregate classification (germline): Uncertain significance (1 of 4 stars; one submission).

Conditions:
Glycogen storage disease due to muscle beta-enolase deficiency (GSD13). Also called: ENOLASE 3 DEFICIENCY; ENOLASE-BETA DEFICIENCY; GSD XIII; Glycogen Storage Disease Type XIII. Identifiers: Orphanet 99849, MedGen C2752027, MONDO:0013046, OMIM 612932.

Allele frequency attached by ClinVar (database versions not stated): ExAC 0.00001; gnomAD 0.00001; gnomAD exomes 0.00001; TOPMed 0.00002.
gnomAD v4.1: 11 of 1,609,816 alleles (0.00068%); highest among the groups gnomAD compares: Middle Eastern, 0.016%; no homozygotes.

Submission:

Labcorp Genetics (formerly Invitae), Labcorp
Classification: Uncertain significance for Glycogen storage disease due to muscle beta-enolase deficiency. Last evaluated: 2022-05-28. Review status: criteria provided, single submitter. Criteria: Invitae Variant Classification Sherloc (09022015). Collection method: clinical testing. Allele origin: germline.
Comment: This sequence change creates a premature translational stop signal (p.Arg32*) in the ENO3 gene. It is expected to result in an absent or disrupted protein product. However, the current clinical and genetic evidence is not sufficient to establish whether loss-of-function variants in ENO3 cause disease. This variant is present in population databases (rs764120380, gnomAD 0.009%). This variant has not been reported in the literature in individuals affected with ENO3-related conditions. In summary, the available evidence is currently insufficient to determine the role of this variant in disease. Therefore, it has been classified as a Variant of Uncertain Significance.

NM_053013.4(ENO3):c.94C>T (p.Arg32Ter)

Gene: ENO3 (enolase 3; plus strand). Cytogenetic location: 17p13.2.
Variant type: single nucleotide variant.
Coding change: c.94C>T on transcript NM_053013.4 (MANE Select); coding-DNA position 94, C replaced by T.
Protein change: p.Arg32Ter; replaces arginine 32 with a stop codon.
Molecular consequence: nonsense.
Genome position (GRCh38, 1-based): chr17:4,952,803, C>T. VCF-style: chr17-4952803-C-T. GRCh37 (hg19) VCF-style: chr17-4856098-C-T.
Other names: c.94C>T, p.Arg32Ter (NM_001193503.2, NM_001374523.1, NM_001976.5); c.121C>T, p.Arg41Ter (NM_001374524.1); short protein forms R32*, R41*.
Identifiers: ClinVar variation 1974878 (VCV001974878.2), dbSNP rs764120380, ClinGen allele CA8316143.
Genomic context (GRCh38, chr17:4,952,803, plus strand): 5'-TGGGCCACCGCGCCCAGCCATCCCTGTGATCTTCCAATTCCTCCTGTCCCAGGCCGATTC[C>T]GAGCAGCTGTGCCCAGTGGGGCTTCCACGGGTATCTATGAGGCTCTGGAACTAAGAGACG-3'